The following is an entry in ClinVar:

ClinVar aggregate classification (germline): Likely pathogenic (1 of 4 stars; one submission).

Conditions:
Dilated cardiomyopathy 1G (CMD1G). Identifiers: Orphanet 154, MedGen C1858763, MONDO:0011400, OMIM 604145.
Autosomal recessive limb-girdle muscular dystrophy type 2J (LGMDR10). Also called: Limb-girdle muscular dystrophy, type 2J; MUSCULAR DYSTROPHY, LIMB-GIRDLE, AUTOSOMAL RECESSIVE 10. Identifiers: Orphanet 140922, MedGen C1837342, MONDO:0012127, OMIM 608807.

Allele frequency attached by ClinVar (database versions not stated): gnomAD exomes below 0.00001.
gnomAD v4.1: 1 of 1,613,808 alleles (0.000062%); no homozygotes.

Submission:

Labcorp Genetics (formerly Invitae), Labcorp
Classification: Likely pathogenic for Dilated cardiomyopathy 1G; Autosomal recessive limb-girdle muscular dystrophy type 2J. Last evaluated: 2024-11-04. Review status: criteria provided, single submitter. Criteria: Invitae Variant Classification Sherloc (09022015). Collection method: clinical testing. Allele origin: germline.
Comment: This sequence change creates a premature translational stop signal (p.Trp4828*) in the TTN gene. While this is not anticipated to result in nonsense mediated decay, it is expected to create a truncated TTN protein. This variant is not present in population databases (gnomAD no frequency). This variant has not been reported in the literature in individuals affected with TTN-related conditions. ClinVar contains an entry for this variant (Variation ID: 1972628). This variant is located in the I band of TTN (PMID: 25589632). Truncating variants in this region have been reported in individuals affected with autosomal recessive centronuclear myopathy (PMID: 23975875, internal data). Truncating variants in this region have also been identified in individuals affected with autosomal dominant dilated cardiomyopathy and/or cardio-related conditions (PMID: 27869827, 32964742, internal data). In summary, the currently available evidence indicates that the variant is pathogenic, but additional data are needed to prove that conclusively. Therefore, this variant has been classified as Likely Pathogenic.

Literature cited by the submitters: PubMed 25589632; PubMed 23975875; PubMed 27869827; PubMed 32964742.

NM_001267550.2(TTN):c.14484G>A (p.Trp4828Ter)

Gene: TTN (titin; minus strand). Cytogenetic location: 2q31.2.
Variant type: single nucleotide variant.
Coding change: c.14484G>A on transcript NM_001267550.2 (MANE Select); coding-DNA position 14484, G replaced by A.
Protein change: p.Trp4828Ter; replaces tryptophan 4828 with a stop codon.
Molecular consequence: nonsense. On other transcripts: intron variant (3).
Genome position (GRCh38, 1-based): chr2:178,735,962, C>T on the plus strand (G>A on the coding strand, the complement: TTN is on the minus strand). VCF-style: chr2-178735962-C-T. GRCh37 (hg19) VCF-style: chr2-179600689-C-T.
Other names: c.13533G>A, p.Trp4511Ter (NM_001256850.1); c.10752G>A, p.Trp3584Ter (NM_133378.4); c.13282+2120G>A (NM_003319.4); c.13858+2120G>A (NM_133437.4); c.13657+2120G>A (NM_133432.3); short protein forms W4511*, W4828*, W3584*.
Identifiers: ClinVar variation 1972628 (VCV001972628.5), dbSNP rs2530379124, ClinGen allele CA349599580.
Genomic context (GRCh38, chr2:178,735,962, plus strand): 5'-GTTTTCTGCGTCGGAAATCCTCCAGTTAGGTGAAGGTGAGAGTGCAGCACCATCTTTCTG[C>T]CAAATGGTTTCTATCACAGGAGTCCCTGTCACTGTGCAGATGAACTTGGCTGCCTTACCC-3'